The following is an entry in ClinVar:

ClinVar aggregate classification (germline): Benign. Review status: criteria provided, multiple submitters, no conflicts (2 of 4 stars). 10 submissions from 10 submitters: Benign (8). 2 of the submissions do not count toward it. Last evaluated 2026-05-08.

Conditions:
3M syndrome 2. Also called: THREE M SYNDROME 2; 3-M Syndrome, OBSL1-Related. Identifiers: Orphanet 2616, MedGen C2752041, MONDO:0013039, OMIM 612921.

Allele frequency attached by ClinVar (database versions not stated): 1000 Genomes Project 30x 0.78045; 1000 Genomes Project 0.78335; TOPMed 0.79945; gnomAD 0.80936 and 0.81296; ESP Exome Variant Server 0.82085; ExAC 0.86441; gnomAD exomes 0.86511 and 0.89289.

Submissions (10):

Women's Health and Genetics/Laboratory Corporation of America, LabCorp
Classification: Benign. Last evaluated: 2026-05-08. Review status: criteria provided, single submitter. Criteria: LabCorp Variant Classification Summary - May 2015. Collection method: clinical testing. Allele origin: germline.

Labcorp Genetics (formerly Invitae), Labcorp
Classification: Benign. Last evaluated: 2026-02-04. Review status: criteria provided, single submitter. Criteria: Invitae Variant Classification Sherloc (09022015). Collection method: clinical testing. Allele origin: germline.

Blueprint Genetics
Classification: Benign. Last evaluated: 2024-11-26. Review status: criteria provided, single submitter. Criteria: ACMG Guidelines, 2015. Collection method: clinical testing. Allele origin: germline.

Genome-Nilou Lab
Classification: Benign for 3M syndrome 2. Last evaluated: 2021-09-05. Review status: criteria provided, single submitter. Criteria: ACMG Guidelines, 2015. Collection method: clinical testing. Allele origin: germline. Affected: no.

Illumina Laboratory Services, Illumina
Classification: Benign for 3M syndrome 2. Last evaluated: 2018-01-13. Review status: criteria provided, single submitter. Criteria: ICSL Variant Classification Criteria 13 December 2019. Collection method: clinical testing. Allele origin: germline.
Comment: This variant was observed in the ICSL laboratory as part of a predisposition screen in an ostensibly healthy population. It had not been previously curated by ICSL or reported in the Human Gene Mutation Database (HGMD: prior to June 1st, 2018), and was therefore a candidate for classification through an automated scoring system. Utilizing variant allele frequency, disease prevalence and penetrance estimates, and inheritance mode, an automated score was calculated to assess if this variant is too frequent to cause the disease. Based on the score and internal cut-off values, a variant classified as benign is not then subjected to further curation. The score for this variant resulted in a classification of benign for this disease.

Eurofins Ntd Llc (ga)
Classification: Benign. Last evaluated: 2016-06-01. Review status: criteria provided, single submitter. Criteria: EGL Classification Definitions 2015. Collection method: clinical testing. Allele origin: germline. Observed: 3 variant alleles, 1 heterozygote, 2 homozygotes.

GeneDx
Classification: Benign. Last evaluated: 2015-03-03. Review status: criteria provided, single submitter. Criteria: GeneDx Variant Classification Process June 2021. Collection method: clinical testing. Allele origin: germline. Affected: yes.

Breakthrough Genomics
Classification: Benign. Review status: criteria provided, single submitter. Criteria: ACMG Guidelines, 2015. Collection method: not provided. Allele origin: germline. Inheritance: Autosomal recessive inheritance. Affected: yes.

Diagnostic Laboratory, Department of Genetics, University Medical Center Groningen
Classification: Benign. Review status: no assertion criteria provided. Collection method: clinical testing. Allele origin: germline. Affected: yes. Study: VKGL Data-share Consensus. Not counted in ClinVar's aggregate classification.

Joint Genome Diagnostic Labs from Nijmegen and Maastricht, Radboudumc and MUMC+
Classification: Benign. Review status: no assertion criteria provided. Collection method: clinical testing. Allele origin: germline. Affected: yes. Study: VKGL Data-share Consensus. Not counted in ClinVar's aggregate classification.

NM_015311.3(OBSL1):c.921T>C (p.Leu307=)

Gene: OBSL1 (obscurin like cytoskeletal adaptor 1; minus strand). Cytogenetic location: 2q35.
Variant type: single nucleotide variant.
Coding change: c.921T>C on transcript NM_015311.3 (MANE Select); coding-DNA position 921, T replaced by C.
Protein change: p.Leu307=; no amino-acid change (leucine 307 retained).
Molecular consequence: synonymous variant.
Genome position (GRCh38, 1-based): chr2:219,570,312, A>G on the plus strand (T>C on the coding strand, the complement: OBSL1 is on the minus strand). VCF-style: chr2-219570312-A-G. GRCh37 (hg19) VCF-style: chr2-220435034-A-G.
Other names: c.921T>C, p.Leu307= (NM_001173408.2, NM_001173431.2).
Identifiers: ClinVar variation 193382 (VCV000193382.29), dbSNP rs10180675, ClinGen allele CA200540.
Genomic context (GRCh38, chr2:219,570,312, plus strand): 5'-CTGGCCCGCCGAGTTGCGCGCGGCGCAGACGTAGAGCCCACGATCCTTGGCCTGGCAGTA[A>G]AGCACCTTGAGCACGAAGCCGCCGTCGCGGTCGCGGTACATGAGGCGGCGGCGGTCCGGG-3'
Protein context (NP_056126.1, residues 297-317): DRDGGFVLKV[Leu307=]YCQAKDRGLY